The following is an entry in ClinVar:

ClinVar aggregate classification (germline): Uncertain significance (1 of 4 stars; one submission).

Conditions:
Diamond-Blackfan anemia. Also called: Blackfan Diamond syndrome; Aregenerative anemia chronic congenital; Red cell aplasia, pure hereditary; Congenital hypoplastic anemia; Aase syndrome. Identifiers: Orphanet 124, MedGen C1260899, MeSH D029503, MONDO:0015253, HP:0004810.

Allele frequency attached by ClinVar (database versions not stated): TOPMed below 0.00001; gnomAD exomes 0.00001; ExAC 0.00003.
gnomAD v4.1: 3 of 1,612,358 alleles (0.00019%); highest among the groups gnomAD compares: Non-Finnish European, 0.00025%; no homozygotes.

Submission:

Labcorp Genetics (formerly Invitae), Labcorp
Classification: Uncertain significance for Diamond-Blackfan anemia. Last evaluated: 2022-04-22. Review status: criteria provided, single submitter. Criteria: Invitae Variant Classification Sherloc (09022015). Collection method: clinical testing. Allele origin: germline.
Comment: This variant is present in population databases (rs750651869, gnomAD 0.004%). This sequence change replaces arginine, which is basic and polar, with lysine, which is basic and polar, at codon 112 of the RPL5 protein (p.Arg112Lys). This variant has not been reported in the literature in individuals affected with RPL5-related conditions. Algorithms developed to predict the effect of missense changes on protein structure and function (SIFT, PolyPhen-2, Align-GVGD) all suggest that this variant is likely to be tolerated. Algorithms developed to predict the effect of sequence changes on RNA splicing suggest that this variant may disrupt the consensus splice site. In summary, the available evidence is currently insufficient to determine the role of this variant in disease. Therefore, it has been classified as a Variant of Uncertain Significance.

NM_000969.5(RPL5):c.335G>A (p.Arg112Lys)

Genes: DIPK1A (divergent protein kinase domain 1A; minus strand), RPL5 (ribosomal protein L5; plus strand). Cytogenetic location: 1p22.1.
Variant type: single nucleotide variant.
Coding change: c.335G>A on transcript NM_000969.5 (MANE Select); coding-DNA position 335, G replaced by A.
Protein change: p.Arg112Lys; replaces arginine 112 with lysine.
Molecular consequence: missense variant. On other transcripts: intron variant (1).
Genome position (GRCh38, 1-based): chr1:92,836,200, G>A. VCF-style: chr1-92836200-G-A. GRCh37 (hg19) VCF-style: chr1-93301757-G-A.
Other names: c.475-3166C>T (NM_001252273.2); short protein forms R112K.
Identifiers: ClinVar variation 2426761 (VCV002426761.42), dbSNP rs750651869, ClinGen allele CA952452.